The following is an entry in ClinVar:

NM_032119.4(ADGRV1):c.6542C>G (p.Thr2181Ser)

Gene: ADGRV1 (adhesion G protein-coupled receptor V1; plus strand). Cytogenetic location: 5q14.3.
Variant type: single nucleotide variant.
Coding change: c.6542C>G on transcript NM_032119.4 (MANE Select); coding-DNA position 6542, C replaced by G.
Protein change: p.Thr2181Ser; replaces threonine 2181 with serine.
Molecular consequence: missense variant. On other transcripts: non-coding transcript variant (1).
Genome position (GRCh38, 1-based): chr5:90,689,912, C>G. VCF-style: chr5-90689912-C-G. GRCh37 (hg19) VCF-style: chr5-89985729-C-G.
Other names: short protein forms T2181S.
Identifiers: ClinVar variation 1355618 (VCV001355618.8), dbSNP rs1746243995, ClinGen allele CA360366019.

ClinVar aggregate classification (germline): Uncertain significance (1 of 4 stars; one submission).

Allele frequency attached by ClinVar (database versions not stated): TOPMed 0.00001.

Submission:

Labcorp Genetics (formerly Invitae), Labcorp
Classification: Uncertain significance. Last evaluated: 2021-05-20. Review status: criteria provided, single submitter. Criteria: Invitae Variant Classification Sherloc (09022015). Collection method: clinical testing. Allele origin: germline.
Comment: In summary, the available evidence is currently insufficient to determine the role of this variant in disease. Therefore, it has been classified as a Variant of Uncertain Significance. Algorithms developed to predict the effect of missense changes on protein structure and function output the following: SIFT: "Tolerated"; PolyPhen-2: "Benign"; Align-GVGD: "Class C0". The serine amino acid residue is found in multiple mammalian species, suggesting that this missense change does not adversely affect protein function. These predictions have not been confirmed by published functional studies and their clinical significance is uncertain. This variant has not been reported in the literature in individuals with ADGRV1-related conditions. This variant is not present in population databases (ExAC no frequency). This sequence change replaces threonine with serine at codon 2181 of the ADGRV1 protein (p.Thr2181Ser). The threonine residue is moderately conserved and there is a small physicochemical difference between threonine and serine.